The following is an entry in ClinVar:

NM_000260.4(MYO7A):c.4919G>A (p.Gly1640Asp)

Gene: MYO7A (myosin VIIA; plus strand). Cytogenetic location: 11q13.5.
Variant type: single nucleotide variant.
Coding change: c.4919G>A on transcript NM_000260.4 (MANE Select); coding-DNA position 4919, G replaced by A.
Protein change: p.Gly1640Asp; replaces glycine 1640 with aspartic acid.
Molecular consequence: missense variant.
Genome position (GRCh38, 1-based): chr11:77,201,514, G>A. VCF-style: chr11-77201514-G-A. GRCh37 (hg19) VCF-style: chr11-76912559-G-A.
Other names: c.4805G>A, p.Gly1602Asp (NM_001127180.2); c.4772G>A, p.Gly1591Asp (NM_001369365.1); short protein forms G1591D, G1602D, G1640D.
Identifiers: ClinVar variation 2842726 (VCV002842726.3), dbSNP rs2497630956, ClinGen allele CA381951227.

ClinVar aggregate classification (germline): Uncertain significance (1 of 4 stars; one submission).

Submission:

Labcorp Genetics (formerly Invitae), Labcorp
Classification: Uncertain significance. Last evaluated: 2023-03-03. Review status: criteria provided, single submitter. Criteria: Invitae Variant Classification Sherloc (09022015). Collection method: clinical testing. Allele origin: germline.
Comment: This variant is not present in population databases (gnomAD no frequency). This variant has not been reported in the literature in individuals affected with MYO7A-related conditions. Advanced modeling of protein sequence and biophysical properties (such as structural, functional, and spatial information, amino acid conservation, physicochemical variation, residue mobility, and thermodynamic stability) has been performed at Invitae for this missense variant, however the output from this modeling did not meet the statistical confidence thresholds required to predict the impact of this variant on MYO7A protein function. In summary, the available evidence is currently insufficient to determine the role of this variant in disease. Therefore, it has been classified as a Variant of Uncertain Significance. This sequence change replaces glycine, which is neutral and non-polar, with aspartic acid, which is acidic and polar, at codon 1640 of the MYO7A protein (p.Gly1640Asp).